The following is an entry in ClinVar:

NM_007186.6(CEP250):c.4222C>T (p.Gln1408Ter)

Gene: CEP250 (centrosomal protein 250; plus strand). Cytogenetic location: 20q11.22.
Variant type: single nucleotide variant.
Coding change: c.4222C>T on transcript NM_007186.6 (MANE Select); coding-DNA position 4222, C replaced by T.
Protein change: p.Gln1408Ter; replaces glutamine 1408 with a stop codon.
Molecular consequence: nonsense.
Genome position (GRCh38, 1-based): chr20:35,502,591, C>T. VCF-style: chr20-35502591-C-T. GRCh37 (hg19) VCF-style: chr20-34090419-C-T.
Other names: c.2326C>T, p.Gln776Ter (NM_001318219.1); short protein forms Q1408*, Q776*.
Identifiers: ClinVar variation 4714747 (VCV004714747.1).
Genomic context (GRCh38, chr20:35,502,591, plus strand): 5'-CTGAAGCTGAAAAATGAGGAAGTAGAGAGTGAGCGTGAGAGAGCCCAGGCTCTGCAAGAG[C>T]AGGGCGAACTGAAGGTGGCCCAAGGGAAGGCTCTGCAAGAGAATTTGGCCCTCCTGACCC-3'

ClinVar aggregate classification (germline): Pathogenic (1 of 4 stars; one submission).

gnomAD v4.1: 1 of 1,614,212 alleles (0.000062%); highest among the groups gnomAD compares: Non-Finnish European, 0.000085%; no homozygotes.

Submission:

Labcorp Genetics (formerly Invitae), Labcorp
Classification: Pathogenic. Last evaluated: 2025-12-08. Review status: criteria provided, single submitter. Criteria: Invitae Variant Classification Sherloc (09022015). Collection method: clinical testing. Allele origin: germline.
Comment: This sequence change creates a premature translational stop signal (p.Gln1408*) in the CEP250 gene. It is expected to result in an absent or disrupted protein product. Loss-of-function variants in CEP250 are known to be pathogenic (PMID: 24780881, 29718797). This variant is not present in population databases (gnomAD no frequency). This variant has not been reported in the literature in individuals affected with CEP250-related conditions. For these reasons, this variant has been classified as Pathogenic.

Literature cited by the submitters: PubMed 24780881; PubMed 29718797.